The following is an entry in ClinVar:

NM_017654.4(SAMD9):c.2501A>G (p.Asn834Ser)

Gene: SAMD9 (sterile alpha motif domain containing 9; minus strand). Cytogenetic location: 7q21.2.
Variant type: single nucleotide variant.
Coding change: c.2501A>G on transcript NM_017654.4 (MANE Select); coding-DNA position 2501, A replaced by G.
Protein change: p.Asn834Ser; replaces asparagine 834 with serine.
Molecular consequence: missense variant.
Genome position (GRCh38, 1-based): chr7:93,103,597, T>C on the plus strand (A>G on the coding strand, the complement: SAMD9 is on the minus strand). VCF-style: chr7-93103597-T-C. GRCh37 (hg19) VCF-style: chr7-92732910-T-C.
Other names: c.2501A>G, p.Asn834Ser (NM_001193307.2); short protein forms N834S.
Identifiers: ClinVar variation 4629808 (VCV004629808.1).

ClinVar aggregate classification (germline): Uncertain significance (1 of 4 stars; one submission).

Conditions:
Inborn genetic diseases. Identifiers: MedGen C0950123, MeSH D030342.

gnomAD v4.1: 1 of 1,613,602 alleles (0.000062%); highest among the groups gnomAD compares: Admixed American, 0.0017%; no homozygotes.

Submission:

Ambry Genetics
Classification: Uncertain significance for Inborn genetic diseases. Last evaluated: 2025-09-20. Review status: criteria provided, single submitter. Criteria: Ambry Variant Classification Scheme 2023. Collection method: clinical testing. Allele origin: germline.
Comment: The p.N834S variant (also known as c.2501A>G), located in coding exon 1 of the SAMD9 gene, results from an A to G substitution at nucleotide position 2501. The asparagine at codon 834 is replaced by serine, an amino acid with highly similar properties. This amino acid position is conserved. In addition, this alteration is predicted to be tolerated by in silico analysis. Based on the available evidence, the clinical significance of this variant remains unclear.